The following is an entry in ClinVar:

NM_025132.4(WDR19):c.2347A>G (p.Ile783Val)

Gene: WDR19 (WD repeat domain 19; plus strand). Cytogenetic location: 4p14.
Variant type: single nucleotide variant.
Coding change: c.2347A>G on transcript NM_025132.4 (MANE Select); coding-DNA position 2347, A replaced by G.
Protein change: p.Ile783Val; replaces isoleucine 783 with valine.
Molecular consequence: missense variant.
Genome position (GRCh38, 1-based): chr4:39,234,859, A>G. VCF-style: chr4-39234859-A-G. GRCh37 (hg19) VCF-style: chr4-39236479-A-G.
Other names: c.1867A>G, p.Ile623Val (NM_001317924.2); c.2347A>G (NM_025132.3); short protein forms I623V, I783V.
Identifiers: ClinVar variation 1523285 (VCV001523285.7), dbSNP rs1055716143, ClinGen allele CA95677707.

ClinVar aggregate classification (germline): Uncertain significance. Review status: criteria provided, multiple submitters, no conflicts (2 of 4 stars). 2 submissions from 2 submitters: Uncertain significance (2). Last evaluated 2025-08-30.

Conditions:
Inborn genetic diseases. Identifiers: MedGen C0950123, MeSH D030342.
Asphyxiating thoracic dystrophy 5 (SRTD5). Also called: SHORT-RIB THORACIC DYSPLASIA 5 WITH OR WITHOUT POLYDACTYLY; SHORT-RIB THORACIC DYSPLASIA 5 WITHOUT POLYDACTYLY. Identifiers: Orphanet 474, MedGen C3280598, MONDO:0013717, OMIM 614376.
Senior-Loken syndrome 8 (SLSN8). Identifiers: Orphanet 3156, MedGen C4225376, MONDO:0014579, OMIM 616307.

Allele frequency attached by ClinVar (database versions not stated): gnomAD 0.00001 and 0.00002; gnomAD exomes 0.00001.
gnomAD v4.1: 8 of 1,563,824 alleles (0.00051%); highest among the groups gnomAD compares: African/African-American, 0.0041%; no homozygotes.

Submissions (2):

Ambry Genetics
Classification: Uncertain significance for Inborn genetic diseases. Last evaluated: 2025-08-30. Review status: criteria provided, single submitter. Criteria: Ambry Variant Classification Scheme 2023. Collection method: clinical testing. Allele origin: germline.

Labcorp Genetics (formerly Invitae), Labcorp
Classification: Uncertain significance for Senior-Loken syndrome 8; Asphyxiating thoracic dystrophy 5. Last evaluated: 2024-02-24. Review status: criteria provided, single submitter. Criteria: Invitae Variant Classification Sherloc (09022015). Collection method: clinical testing. Allele origin: germline.
Comment: This sequence change replaces isoleucine, which is neutral and non-polar, with valine, which is neutral and non-polar, at codon 783 of the WDR19 protein (p.Ile783Val). The frequency data for this variant in the population databases is considered unreliable, as metrics indicate poor data quality at this position in the gnomAD database. This variant has not been reported in the literature in individuals affected with WDR19-related conditions. ClinVar contains an entry for this variant (Variation ID: 1523285). Advanced modeling of protein sequence and biophysical properties (such as structural, functional, and spatial information, amino acid conservation, physicochemical variation, residue mobility, and thermodynamic stability) performed at Invitae indicates that this missense variant is not expected to disrupt WDR19 protein function with a negative predictive value of 80%. In summary, the available evidence is currently insufficient to determine the role of this variant in disease. Therefore, it has been classified as a Variant of Uncertain Significance.